The following is an entry in ClinVar:

ClinVar aggregate classification (germline): Uncertain significance (1 of 4 stars; one submission).

Conditions:
Inborn genetic diseases. Identifiers: MedGen C0950123, MeSH D030342.

Allele frequency attached by ClinVar (database versions not stated): gnomAD exomes below 0.00001.
gnomAD v4.1: 1 of 1,614,164 alleles (0.000062%); highest among the groups gnomAD compares: South Asian, 0.0011%; no homozygotes.

Submission:

Ambry Genetics
Classification: Uncertain significance for Inborn genetic diseases. Last evaluated: 2020-05-18. Review status: criteria provided, single submitter. Criteria: Ambry Variant Classification Scheme 2023. Collection method: clinical testing. Allele origin: germline.
Comment: The p.P412S variant (also known as c.1234C>T), located in coding exon 11 of the MFSD8 gene, results from a C to T substitution at nucleotide position 1234. The proline at codon 412 is replaced by serine, an amino acid with similar properties. This amino acid position is highly conserved in available vertebrate species. In addition, this alteration is predicted to be deleterious by in silico analysis. Since supporting evidence is limited at this time, the clinical significance of this alteration remains unclear.

NM_001371596.2(MFSD8):c.1234C>T (p.Pro412Ser)

Gene: MFSD8 (major facilitator superfamily domain containing 8; minus strand). Cytogenetic location: 4q28.2.
Variant type: single nucleotide variant.
Coding change: c.1234C>T on transcript NM_001371596.2 (MANE Select); coding-DNA position 1234, C replaced by T.
Protein change: p.Pro412Ser; replaces proline 412 with serine.
Molecular consequence: missense variant.
Genome position (GRCh38, 1-based): chr4:127,921,640, G>A on the plus strand (C>T on the coding strand, the complement: MFSD8 is on the minus strand). VCF-style: chr4-127921640-G-A. GRCh37 (hg19) VCF-style: chr4-128842795-G-A.
Other names: c.1033C>T, p.Pro345Ser (NM_001363520.3); c.919C>T, p.Pro307Ser (NM_001363521.3); c.1099C>T, p.Pro367Ser (NM_001371590.2); c.1234C>T, p.Pro412Ser (NM_001371591.2, NM_152778.4); c.1240C>T, p.Pro414Ser (NM_001371592.2); c.1120C>T, p.Pro374Ser (NM_001371593.2); c.1087C>T, p.Pro363Ser (NM_001371594.2); c.952C>T, p.Pro318Ser (NM_001371595.1); and 2 more; short protein forms P262S, P307S, P363S, P345S, P367S, P412S, P414S, P318S.
Identifiers: ClinVar variation 1756403 (VCV001756403.2), dbSNP rs2546046689, ClinGen allele CA358171201.